The following is an entry in ClinVar:

NM_015602.4(TOR1AIP1):c.1155G>A (p.Lys385=)

Gene: TOR1AIP1 (torsin 1A interacting protein 1; plus strand). Cytogenetic location: 1q25.2.
Variant type: single nucleotide variant.
Coding change: c.1155G>A on transcript NM_015602.4 (MANE Select); coding-DNA position 1155, G replaced by A.
Protein change: p.Lys385=; no amino-acid change (lysine 385 retained).
Molecular consequence: synonymous variant.
Genome position (GRCh38, 1-based): chr1:179,917,642, G>A. VCF-style: chr1-179917642-G-A. GRCh37 (hg19) VCF-style: chr1-179886777-G-A.
Other names: c.1158G>A, p.Lys386= (NM_001267578.2); c.1158G>A (NM_001267578.1).
Identifiers: ClinVar variation 1097315 (VCV001097315.12), dbSNP rs777945456, ClinGen allele CA1269101.
Genomic context (GRCh38, chr1:179,917,642, plus strand): 5'-TCAAGAGTTCCAGAACCAGATGAATCAACTTAAGAATAAGTACCAAGGTCAAGATGAGAA[G>A]CTGTGGAAAAGGAGCCAAACATTCCTGGAAAAACATCTTAATAGCTCCCATCCTCGGTCT-3'
Protein context (NP_056417.2, residues 375-395): LKNKYQGQDE[Lys385=]LWKRSQTFLE

ClinVar aggregate classification (germline): Likely benign. Review status: criteria provided, multiple submitters, no conflicts (2 of 4 stars). 3 submissions from 3 submitters: Likely benign (2). 1 of the submissions does not count toward it. Last evaluated 2025-07-30.

Conditions:
Autosomal recessive limb-girdle muscular dystrophy type 2Y (MRRSDC). Also called: Muscular dystrophy, autosomal recessive, with rigid spine and distal joint contractures; Muscular dystrophy, limb-girdle, type 2y. Identifiers: Orphanet 424261, MedGen C4511482, MONDO:0014900, OMIM 617072.
TOR1AIP1-related disorder. Also called: TOR1AIP1-related condition.

Allele frequency attached by ClinVar (database versions not stated): gnomAD 0.00002; gnomAD exomes 0.00004 and 0.00007; ExAC 0.00008; TOPMed 0.00009.
gnomAD v4.1: 60 of 1,614,058 alleles (0.0037%); highest among the groups gnomAD compares: Admixed American, 0.04%; no homozygotes.

Submissions (3):

Labcorp Genetics (formerly Invitae), Labcorp
Classification: Likely benign for Autosomal recessive limb-girdle muscular dystrophy type 2Y. Last evaluated: 2025-07-30. Review status: criteria provided, single submitter. Criteria: Invitae Variant Classification Sherloc (09022015). Collection method: clinical testing. Allele origin: germline.

Breakthrough Genomics
Classification: Likely benign. Review status: criteria provided, single submitter. Criteria: ACMG Guidelines, 2015. Collection method: not provided. Allele origin: germline. Inheritance: Autosomal recessive inheritance. Affected: yes.

PreventionGenetics, part of Exact Sciences
Classification: Likely benign for TOR1AIP1-related condition. Last evaluated: 2022-07-08. Review status: no assertion criteria provided. Collection method: clinical testing. Allele origin: germline. Not counted in ClinVar's aggregate classification.
Comment: This variant is classified as likely benign based on ACMG/AMP sequence variant interpretation guidelines (Richards et al. 2015 PMID: 25741868, with internal and published modifications).